The following is an entry in ClinVar:

ClinVar aggregate classification (germline): Uncertain significance (1 of 4 stars; one submission).

Conditions:
Early-infantile DEE. Also called: Early infantile epileptic encephalopathy with suppression bursts; Early infantile epileptic encephalopathy; Ohtahara syndrome. Identifiers: Orphanet 1934, MedGen C0393706, MONDO:0800491.

Submission:

Labcorp Genetics (formerly Invitae), Labcorp
Classification: Uncertain significance for Early-infantile DEE. Last evaluated: 2025-09-23. Review status: criteria provided, single submitter. Criteria: Invitae Variant Classification Sherloc (09022015). Collection method: clinical testing. Allele origin: germline.
Comment: This sequence change replaces phenylalanine, which is neutral and non-polar, with valine, which is neutral and non-polar, at codon 1686 of the SCN8A protein (p.Phe1686Val). This variant is not present in population databases (gnomAD no frequency). This variant has not been reported in the literature in individuals affected with SCN8A-related conditions. ClinVar contains an entry for this variant (Variation ID: 2071375). Invitae Evidence Modeling of protein sequence and biophysical properties (such as structural, functional, and spatial information, amino acid conservation, physicochemical variation, residue mobility, and thermodynamic stability) has been performed for this missense variant. However, the output from this modeling did not meet the statistical confidence thresholds required to predict the impact of this variant on SCN8A protein function. In summary, the available evidence is currently insufficient to determine the role of this variant in disease. Therefore, it has been classified as a Variant of Uncertain Significance.

NM_001330260.2(SCN8A):c.5056T>G (p.Phe1686Val)

Gene: SCN8A (sodium voltage-gated channel alpha subunit 8; plus strand). Cytogenetic location: 12q13.13.
Variant type: single nucleotide variant.
Coding change: c.5056T>G on transcript NM_001330260.2 (MANE Select); coding-DNA position 5056, T replaced by G.
Protein change: p.Phe1686Val; replaces phenylalanine 1686 with valine.
Molecular consequence: missense variant.
Genome position (GRCh38, 1-based): chr12:51,806,542, T>G. VCF-style: chr12-51806542-T-G. GRCh37 (hg19) VCF-style: chr12-52200326-T-G.
Other names: c.4933T>G, p.Phe1645Val (NM_001177984.3, NM_001369788.1); c.5056T>G, p.Phe1686Val (NM_014191.4); short protein forms F1645V, F1686V.
Identifiers: ClinVar variation 2071375 (VCV002071375.4), dbSNP rs2540334091, ClinGen allele CA384882753.